The following is an entry in ClinVar:

NM_001199397.3(NEK1):c.934del (p.Ala312fs)

Gene: NEK1 (NIMA related kinase 1; minus strand). Cytogenetic location: 4q33.
Variant type: Deletion.
Coding change: c.934del on transcript NM_001199397.3 (MANE Select); coding-DNA position 934, one base deleted (G; older notation c.934delG).
Protein change: p.Ala312fs; shifts the reading frame from alanine 312.
Molecular consequence: frameshift variant. On other transcripts: non-coding transcript variant (2).
Genome position (GRCh38, 1-based): chr4:169,577,014, C deleted on the plus strand (G on the coding strand, the reverse complement: NEK1 is on the minus strand). VCF-style (leftmost placement, unchanged base first): chr4-169577013-GC-G. GRCh37 (hg19) VCF-style: chr4-170498164-GC-G.
Other names: c.934del, p.Ala312fs (NM_001199398.3, NM_001199399.3, NM_001199400.3 and 7 more transcripts); short protein forms A312fs.
Identifiers: ClinVar variation 1455845 (VCV001455845.7), dbSNP rs2150034070, ClinGen allele CA2573138129.

ClinVar aggregate classification (germline): Pathogenic (1 of 4 stars; one submission).

Conditions:
Short-rib thoracic dysplasia 6 with or without polydactyly (SRTD6). Also called: POLYDACTYLY WITH NEONATAL CHONDRODYSTROPHY, TYPE II; SHORT RIB-POLYDACTYLY SYNDROME, TYPE IIA; SHORT-RIB THORACIC DYSPLASIA 6 WITH POLYDACTYLY; SHORT-RIB THORACIC DYSPLASIA 6 WITHOUT POLYDACTYLY; Majewski Syndrome. Identifiers: MedGen C0024507, MONDO:0009894, OMIM 263520.

Submission:

Labcorp Genetics (formerly Invitae), Labcorp
Classification: Pathogenic for Short-rib thoracic dysplasia 6 with or without polydactyly. Last evaluated: 2022-06-20. Review status: criteria provided, single submitter. Criteria: Invitae Variant Classification Sherloc (09022015). Collection method: clinical testing. Allele origin: germline.
Comment: For these reasons, this variant has been classified as Pathogenic. This variant has not been reported in the literature in individuals affected with NEK1-related conditions. This variant is not present in population databases (gnomAD no frequency). This sequence change creates a premature translational stop signal (p.Ala312Profs*8) in the NEK1 gene. It is expected to result in an absent or disrupted protein product. Loss-of-function variants in NEK1 are known to be pathogenic (PMID: 22499340, 29068549).

Literature cited by the submitters: PubMed 22499340; PubMed 29068549.